The following is an entry in ClinVar:

ClinVar aggregate classification (germline): Uncertain significance (1 of 4 stars; one submission).

Conditions:
Familial melanoma. Also called: Hereditary melanoma; Hereditary cutaneous melanoma. Identifiers: Orphanet 618, MedGen C1512419, MONDO:0018961.

Submission:

Labcorp Genetics (formerly Invitae), Labcorp
Classification: Uncertain significance for Familial melanoma. Last evaluated: 2024-05-16. Review status: criteria provided, single submitter. Criteria: Invitae Variant Classification Sherloc (09022015). Collection method: clinical testing. Allele origin: germline.
Comment: This sequence change falls in intron 2 of the CDKN2A (p16INK4a) gene. It does not directly change the encoded amino acid sequence of the CDKN2A (p16INK4a) protein. This variant is not present in population databases (gnomAD no frequency). This variant has not been reported in the literature in individuals affected with CDKN2A (p16INK4a)-related conditions. Algorithms developed to predict the effect of sequence changes on RNA splicing suggest that this variant may disrupt the consensus splice site. In summary, the available evidence is currently insufficient to determine the role of this variant in disease. Therefore, it has been classified as a Variant of Uncertain Significance.

NM_000077.5(CDKN2A):c.458-5T>A

Gene: CDKN2A (cyclin dependent kinase inhibitor 2A; minus strand). Cytogenetic location: 9p21.3.
Variant type: single nucleotide variant.
Coding change: c.458-5T>A on transcript NM_000077.5 (MANE Select); 5 bases into the intron before coding-DNA position 458, T replaced by A.
Molecular consequence: intron variant.
Genome position (GRCh38, 1-based): chr9:21,968,247, A>T on the plus strand (T>A on the coding strand, the complement: CDKN2A is on the minus strand). VCF-style: chr9-21968247-A-T. GRCh37 (hg19) VCF-style: chr9-21968246-A-T.
Other names: c.305-5T>A (NM_001363763.2); c.*102-5T>A (NM_058195.4); c.*151-5T>A (NM_001195132.2); c.*381-5T>A (NM_058197.5).
Identifiers: ClinVar variation 3631591 (VCV003631591.2).